The following is an entry in ClinVar:

ClinVar aggregate classification (germline): Uncertain significance (1 of 4 stars; one submission).

Conditions:
Inborn genetic diseases. Identifiers: MedGen C0950123, MeSH D030342.

Submission:

Ambry Genetics
Classification: Uncertain significance for Inborn genetic diseases. Last evaluated: 2025-09-19. Review status: criteria provided, single submitter. Criteria: Ambry Variant Classification Scheme 2023. Collection method: clinical testing. Allele origin: germline.
Comment: The p.D864N variant (also known as c.2590G>A), located in coding exon 14 of the FANCM gene, results from a G to A substitution at nucleotide position 2590. The aspartic acid at codon 864 is replaced by asparagine, an amino acid with highly similar properties. This amino acid position is conserved. In addition, this alteration is predicted to be tolerated by in silico analysis. Based on the available evidence, the clinical significance of this variant remains unclear.

NM_020937.4(FANCM):c.2590G>A (p.Asp864Asn)

Gene: FANCM (FA complementation group M; plus strand). Cytogenetic location: 14q21.2.
Variant type: single nucleotide variant.
Coding change: c.2590G>A on transcript NM_020937.4 (MANE Select); coding-DNA position 2590, G replaced by A.
Protein change: p.Asp864Asn; replaces aspartic acid 864 with asparagine.
Molecular consequence: missense variant.
Genome position (GRCh38, 1-based): chr14:45,175,344, G>A. VCF-style: chr14-45175344-G-A. GRCh37 (hg19) VCF-style: chr14-45644547-G-A.
Other names: c.2512G>A, p.Asp838Asn (NM_001308133.2); short protein forms D838N, D864N.
Identifiers: ClinVar variation 4619436 (VCV004619436.1).